The following is an entry in ClinVar:

ClinVar aggregate classification (germline): Uncertain significance (1 of 4 stars; one submission).

Submission:

GeneDx
Classification: Uncertain significance. Last evaluated: 2024-07-20. Review status: criteria provided, single submitter. Criteria: GeneDx Variant Classification Process June 2021. Collection method: clinical testing. Allele origin: germline. Affected: yes.
Comment: Not observed at significant frequency in large population cohorts (gnomAD); In silico analysis indicates that this missense variant does not alter protein structure/function; Has not been previously published as pathogenic or benign to our knowledge

NM_005121.3(MED13):c.478T>A (p.Leu160Met)

Gene: MED13 (mediator complex subunit 13; minus strand). Cytogenetic location: 17q23.2.
Variant type: single nucleotide variant.
Coding change: c.478T>A on transcript NM_005121.3 (MANE Select); coding-DNA position 478, T replaced by A.
Protein change: p.Leu160Met; replaces leucine 160 with methionine.
Molecular consequence: missense variant.
Genome position (GRCh38, 1-based): chr17:62,035,601, A>T on the plus strand (T>A on the coding strand, the complement: MED13 is on the minus strand). VCF-style: chr17-62035601-A-T. GRCh37 (hg19) VCF-style: chr17-60112962-A-T.
Other names: short protein forms L160M.
Identifiers: ClinVar variation 3600852 (VCV003600852.1).